The following is an entry in ClinVar:

ClinVar aggregate classification (germline): not provided (0 of 4 stars; one submission).

Conditions:
Large for gestational age. Identifiers: MedGen C1848395, HP:0001520.

Submission:

Institute of Molecular and Cell Biology, University of Tartu
No classification provided. Condition: Large for gestational age. Review status: no classification provided. Collection method: case-control. Allele origin: unknown. Affected: yes. Study: Kasak2014.
Comment: The study aimed to determine the contribution of copy number variants in the genetic etiology of normal and complicated pregnancies. The samples represented (i) maternal blood DNA drawn from healthy pregnant women during 1st or 2nd trimester and (ii) maternal and paternal blood DNA drawn at term pregnancy cases representing normal and complicated gestations (severe preeclampsia, PE; gestational diabetes, GD; small-for-gestational age newborn, SGA; large-for-gestational age newborn, LGA). We performed CNV calling based on genome-wide genotyping dataset (Illumina HumanOmniExpress-24-v1 BeadChip) by applying three algorithms, QuantiSNP, GADA (Genome Alteration Detection Algorithm) and CNstream in parallel. The acquired CNV calls were merged with HD-CNV (Hotspot Detector for Copy Number Variants) program and only the CNVs predicted by at least two programs, were considered in subsequent analysis.

Literature cited by the submitters: PubMed 25666259.

NC_000009.12:g.1447011_1450428del

Variant type: Deletion.
Genome position: GRCh38: chr9:1,447,011-1,450,428. GRCh37 (hg19): chr9:1,447,011-1,450,428.
Identifiers: ClinVar variation 157132 (VCV000157132.3), ClinGen allele CA212242.